The following is an entry in ClinVar:

NM_001134407.3(GRIN2A):c.2099A>C (p.Tyr700Ser)

Gene: GRIN2A (glutamate ionotropic receptor NMDA type subunit 2A; minus strand). Cytogenetic location: 16p13.2.
Variant type: single nucleotide variant.
Coding change: c.2099A>C on transcript NM_001134407.3 (MANE Select); coding-DNA position 2099, A replaced by C.
Protein change: p.Tyr700Ser; replaces tyrosine 700 with serine.
Molecular consequence: missense variant.
Genome position (GRCh38, 1-based): chr16:9,822,333, T>G on the plus strand (A>C on the coding strand, the complement: GRIN2A is on the minus strand). VCF-style: chr16-9822333-T-G. GRCh37 (hg19) VCF-style: chr16-9916190-T-G.
Other names: c.2099A>C, p.Tyr700Ser (NM_000833.5, NM_001134408.2); short protein forms Y700S.
Identifiers: ClinVar variation 3776617 (VCV003776617.1).

ClinVar aggregate classification (germline): Uncertain significance (1 of 4 stars; one submission).

Submission:

GeneDx
Classification: Uncertain significance. Last evaluated: 2024-10-02. Review status: criteria provided, single submitter. Criteria: GeneDx Variant Classification Process June 2021. Collection method: clinical testing. Allele origin: germline. Affected: yes.
Comment: Not observed at significant frequency in large population cohorts (gnomAD); In silico analysis indicates that this missense variant does not alter protein structure/function; Has not been previously published as pathogenic or benign to our knowledge; This variant is associated with the following publications: (PMID: 27839871)